The following is an entry in ClinVar:

NM_172166.4(MSH5):c.1531C>T (p.Gln511Ter)

Genes: MSH5 (mutS homolog 5; plus strand), MSH5-SAPCD1 (MSH5-SAPCD1 readthrough (NMD candidate); plus strand). Cytogenetic location: 6p21.33.
Variant type: single nucleotide variant.
Coding change: c.1531C>T on transcript NM_172166.4 (MANE Select); coding-DNA position 1531, C replaced by T.
Protein change: p.Gln511Ter; replaces glutamine 511 with a stop codon.
Molecular consequence: nonsense. On other transcripts: non-coding transcript variant (1).
Genome position (GRCh38, 1-based): chr6:31,759,821, C>T. VCF-style: chr6-31759821-C-T. GRCh37 (hg19) VCF-style: chr6-31727598-C-T.
Other names: c.1531C>T, p.Gln511Ter (NM_002441.5, NM_172165.4); c.1582C>T, p.Gln528Ter (NM_025259.6); short protein forms Q511*, Q528*.
Identifiers: ClinVar variation 4849309 (VCV004849309.1).

ClinVar aggregate classification (germline): Likely pathogenic (1 of 4 stars; one submission).

Conditions:
Spermatogenic failure 74 (SPGF74). Identifiers: MedGen C5677010, MONDO:0030972, OMIM 619937.
Premature ovarian failure 13 (POF13). Identifiers: MedGen C4479510, MONDO:0044317, OMIM 617442.

gnomAD v4.1: 2 of 1,613,806 alleles (0.00012%); highest among the groups gnomAD compares: Non-Finnish European, 0.00017%; no homozygotes.

Submission:

First Genomix Gene Laboratory, Genetic Diagnostics Department
Classification: Likely pathogenic for Premature ovarian failure 13; Spermatogenic failure 74. Last evaluated: 2025-07-18. Review status: criteria provided, single submitter. Criteria: ACMG Guidelines, 2015. Collection method: clinical testing. Allele origin: germline. Inheritance: Autosomal recessive inheritance. Affected: no. Observed: 1 variant allele.